The following is an entry in ClinVar:

NM_003235.5(TG):c.886C>T (p.Arg296Ter)

Gene: TG (thyroglobulin; plus strand). Cytogenetic location: 8q24.22.
Variant type: single nucleotide variant.
Coding change: c.886C>T on transcript NM_003235.5 (MANE Select); coding-DNA position 886, C replaced by T.
Protein change: p.Arg296Ter; replaces arginine 296 with a stop codon.
Molecular consequence: nonsense.
Genome position (GRCh38, 1-based): chr8:132,882,609, C>T. VCF-style: chr8-132882609-C-T. GRCh37 (hg19) VCF-style: chr8-133894854-C-T.
Other names: R277*; short protein forms R296*.
Identifiers: ClinVar variation 12695 (VCV000012695.36), dbSNP rs121912648, ClinGen allele CA210703.

ClinVar aggregate classification (germline): Pathogenic. Review status: criteria provided, multiple submitters, no conflicts (2 of 4 stars). 16 submissions from 16 submitters: Pathogenic (13). 3 of the submissions do not count toward it. Last evaluated 2026-06-29.

Conditions:
TG-related disorder. Also called: TG-related disorders; TG-related condition.
Iodotyrosyl coupling defect (TDH3). Also called: THYROID HORMONOGENESIS, GENETIC DEFECT IN, 3; HYPOTHYROIDISM, CONGENITAL, DUE TO DYSHORMONOGENESIS, 3. Identifiers: Orphanet 95716, MedGen C0342194, MONDO:0010135, OMIM 274700.
Autoimmune thyroid disease, susceptibility to, 3. Identifiers: MedGen C1842444, MONDO:0011982, OMIM 608175.
Congenital hypothyroidism. Identifiers: Orphanet 442, MedGen C0010308, MONDO:0018612, HP:0000851.

Allele frequency attached by ClinVar (database versions not stated): ExAC 0.00036; gnomAD 0.00036 and 0.00041; gnomAD exomes 0.00036; TOPMed 0.00045.
gnomAD v4.1: 863 of 1,614,008 alleles (0.053%); highest among the groups gnomAD compares: Non-Finnish European, 0.062%; 3 homozygotes.

Submissions (16):

Cambridge Genomics Laboratory, East Genomic Laboratory Hub, NHS Genomic Medicine Service
Classification: Pathogenic for Congenital hypothyroidism. Last evaluated: 2026-06-29. Review status: criteria provided, single submitter. Criteria: ACGS Best Practice Guidelines for Variant Classification in Rare Disease 2020. Collection method: clinical testing. Allele origin: germline. Affected: yes.
Comment: PVS1,PM3_Very Strong,PP1_Strong

PreventionGenetics, part of Exact Sciences
Classification: Pathogenic for TG-related condition. Last evaluated: 2026-05-26. Review status: criteria provided, single submitter. Criteria: ACMG Guidelines, 2015. Collection method: clinical testing. Allele origin: germline.
Comment: The TG c.886C>T variant is predicted to result in premature protein termination (p.Arg296*). This variant, also known as c.886C>T, p.Arg277*, has been reported in the homozygous and compound heterozygous states in multiple individuals with goiter and hypothyroidism (see for example: van de Graaf et al. 1999. PubMed ID: 10404833; Peteiro-Gonzalez et al. 2010. PubMed ID: 20410234; Siffo et al. 2017. PubMed ID: 29275168; Zou et al. 2018. PubMed ID: 29546359). This variant is reported in 0.11% of alleles in individuals of Ashkenazi Jewish descent in gnomAD. Nonsense variants in TG are expected to be pathogenic. This variant is interpreted as pathogenic.

Labcorp Genetics (formerly Invitae), Labcorp
Classification: Pathogenic. Last evaluated: 2026-01-31. Review status: criteria provided, single submitter. Criteria: Invitae Variant Classification Sherloc (09022015). Collection method: clinical testing. Allele origin: germline.
Comment: This sequence change creates a premature translational stop signal (p.Arg296*) in the TG gene. It is expected to result in an absent or disrupted protein product. Loss-of-function variants in TG are known to be pathogenic (PMID: 19837936, 23164529). This variant is present in population databases (rs121912648, gnomAD 0.1%). This premature translational stop signal has been observed in individual(s) with congenital hypothyroidism and goiter (PMID: 10404833, 14764776, 20410234, 21372558, 23164529). It has also been observed to segregate with disease in related individuals. This variant is also known as R277X. ClinVar contains an entry for this variant (Variation ID: 12695). For these reasons, this variant has been classified as Pathogenic.

Dasa
Classification: Pathogenic. Last evaluated: 2025-08-12. Review status: criteria provided, single submitter. Criteria: DASA Assertion Criteria. Collection method: clinical testing. Allele origin: germline.
Comment: NM_003235.5(TG):c.886C>T (p.Arg296*) introduces a premature termination codon predicted to result in loss of normal protein function. Loss-of-function is an established mechanism of disease for this gene. Segregation evidence has been reported in affected families. This variant has been observed in affected individuals with related phenotype in a genotype context consistent with recessive disease (PMID: 21128992; PMID: 23164529; PMID: 14764776). This variant has been recurrently observed in individuals with related phenotype (PMID: 21128992; PMID: 23164529; PMID: 14764776). The variant is present at low frequency in population datasets. Based on the available data, this variant is classified as pathogenic.

GeneDx
Classification: Pathogenic. Last evaluated: 2025-01-23. Review status: criteria provided, single submitter. Criteria: GeneDx Variant Classification Process June 2021. Collection method: clinical testing. Allele origin: germline. Affected: yes.
Comment: Nonsense variant predicted to result in protein truncation or nonsense mediated decay in a gene for which loss of function is a known mechanism of disease; This variant is associated with the following publications: (PMID: 23164529, 21128992, 34200080, 25525159, 20410234, 9588493, 15769978, 26990548, 28359061, 29546359, 29275168, 28176629, 34426522, 33692749, 32765423, 31589614, 33321114, 31345219, 34780050, 35177841, 14764776, 10404833, 35649421, 34493867, 31430255, 36884306)

Blueprint Genetics
Classification: Pathogenic for TG-related disorders. Last evaluated: 2024-11-05. Review status: criteria provided, single submitter. Criteria: ACMG Guidelines, 2015. Collection method: clinical testing. Allele origin: germline. Affected: yes. Observed: 5 variant alleles.

Fulgent Genetics
Classification: Pathogenic for Iodotyrosyl coupling defect; Autoimmune thyroid disease, susceptibility to, 3. Last evaluated: 2024-06-07. Review status: criteria provided, single submitter. Criteria: ACMG Guidelines, 2015. Collection method: clinical testing. Allele origin: germline.

Women's Health and Genetics/Laboratory Corporation of America, LabCorp
Classification: Pathogenic for TG-Related Disorders. Last evaluated: 2024-04-15. Review status: criteria provided, single submitter. Criteria: LabCorp Variant Classification Summary - May 2015. Collection method: clinical testing. Allele origin: germline.
Comment: Variant summary: TG c.886C>T (p.Arg296X) results in a premature termination codon, predicted to cause nonsense mediated decay, which is a commonly known mechanism for disease. The variant allele was found at a frequency of 0.00036 in 251480 control chromosomes. c.886C>T has been reported in the literature in multiple individuals affected with TG-Related Disorders (example, van de Graaf_1999). These data indicate that the variant is very likely to be associated with disease. One publication reports experimental evidence evaluating an impact on protein function, however, does not allow convincing conclusions about the variant effect (van de Graaf_1999). The following publication have been ascertained in the context of this evaluation (PMID: 10404833). ClinVar contains an entry for this variant (Variation ID: 12695). Based on the evidence outlined above, the variant was classified as pathogenic.

Genetic Services Laboratory, University of Chicago
Classification: Pathogenic. Last evaluated: 2024-03-20. Review status: criteria provided, single submitter. Criteria: ACMG Guidelines, 2015. Collection method: clinical testing. Allele origin: germline. Affected: yes.
Comment: DNA sequence analysis of the TG gene demonstrated a sequence change, c.886C>T, which results in the creation of a premature stop codon at amino acid position 296, p.Arg296* This sequence change is predicted to result in an abnormal transcript, which may be degraded, or may lead to the production of a truncated TG protein with potentially abnormal function. This sequence change has been described in the gnomAD database with a frequency of 0.106% in the Ashkenazi Jewish population and 0.035% in the global population (dbSNP rs121912648). This sequence change has previously been described in several individuals and families with congenital hypothyroidism and goiter in the bi-allelic state and has been shown to segregate with disease (PMID: 10404833, 14764776, 20410234, 21372558, 23164529). This variant is also known as R277X. These collective evidences indicate that this sequence change is pathogenic.

Department of Pathology and Laboratory Medicine, Sinai Health System
Classification: Pathogenic for Iodotyrosyl coupling defect. Last evaluated: 2023-09-28. Review status: criteria provided, single submitter. Criteria: ACMG Guidelines, 2015. Collection method: research. Allele origin: germline.

Revvity Omics, Revvity
Classification: Pathogenic for Iodotyrosyl coupling defect. Last evaluated: 2020-10-20. Review status: criteria provided, single submitter. Criteria: ACMG Guidelines, 2015. Collection method: clinical testing. Allele origin: germline.

Illumina Laboratory Services, Illumina
Classification: Pathogenic for Iodotyrosyl coupling defect. Last evaluated: 2018-01-24. Review status: criteria provided, single submitter. Criteria: ICSL Variant Classification Criteria 09 May 2019. Collection method: clinical testing. Allele origin: germline.
Comment: The TG c.886C>T (p.Arg296Ter) variant is a stop-gained variant which has been reported in at least six studies in which it is found in a total of 15 patients with clinical suspicion of thyroid dyshoromonogenesis, including five in a homozygous state and ten in a compound heterozygous state (van de Graaf et al. 1999; Gutnisky et al. 2004; Rivolta et al. 2005; Peteiro-Gonzalez et al. 2010; Citterio et al. 2011; Citterio et al. 2013). In all families, the p.Arg296Ter variant was identified in unaffected individuals in a heterozygous state. Control data are unavailable for this variant, which is reported at a frequency of 0.001084 in the Ashkenazi Jewish population of the Genome Aggregation Database. RT-PCR analysis on patient cDNA showed very little transcript was present from the p.Arg296Ter variant allele (Peteiro-Gonzalez et al. 2010). Based on the collective evidence, the p.Arg296Ter variant is classified as pathogenic for thyroid dyshormonogenesis. This variant was observed by ICSL as part of a predisposition screen in an ostensibly healthy population.

Eurofins Ntd Llc (ga)
Classification: Pathogenic. Last evaluated: 2015-07-09. Review status: criteria provided, single submitter. Criteria: EGL Classification Definitions 2015. Collection method: clinical testing. Allele origin: germline. Observed: 3 variant alleles, 3 heterozygotes.

Division of Human Genetics, Children's Hospital of Philadelphia
Classification: Pathogenic for Thyroid dysmorphogenesis 3, autosomal recessive (MIM 274700). Last evaluated: 2014-07-17. Review status: no assertion criteria provided. Collection method: research. Allele origin: germline. Affected: no. Study: CSER-PediSeq. Not counted in ClinVar's aggregate classification.
Comment: The TG variant (c.886C>T; p.Arg296*) identified in this patient is a nonsense variant which results in a truncated protein, considered a pathogenic variant and has been reported in other individuals with goitre and hypothyroidism (Van da Graaf et al. 1999, PMID: 10404833; Gutnisky et al. 2004, PMID: 14764776; Rivolta et al. 2005, PMID: 15769978; Caputo et al. 2007, PMID: 17532758; Peteiro-Gonzalez et al. 2010, PMID: 20410234).

OMIM
Classification: Pathogenic for THYROID DYSHORMONOGENESIS 3. Last evaluated: 2005-06-01. Review status: no assertion criteria provided. Collection method: literature only. Allele origin: germline. Not counted in ClinVar's aggregate classification.

Polak associated Lab, IMAGINE Institute
Classification: Pathogenic for Congenital hypothyroidism. Review status: no assertion criteria provided. Collection method: clinical testing. Allele origin: germline. Affected: yes. Not counted in ClinVar's aggregate classification.

Literature cited by the submitters: PubMed 19837936 (cited by Labcorp Genetics (formerly Invitae), Labcorp); PubMed 23164529 (cited by 3 submitters); PubMed 10404833 (cited by 5 submitters); PubMed 14764776 (cited by 4 submitters); PubMed 20410234 (cited by 3 submitters); PubMed 21372558 (cited by Labcorp Genetics (formerly Invitae), Labcorp); PubMed 21128992 (cited by Dasa and Illumina Laboratory Services, Illumina); PubMed 15769978 (cited by Illumina Laboratory Services, Illumina and OMIM); PubMed 9588493 (cited by OMIM).